The following is an entry in ClinVar:

ClinVar aggregate classification (germline): Uncertain significance (1 of 4 stars; one submission).

Conditions:
Cardiovascular phenotype. Identifiers: MedGen CN230736.

Allele frequency attached by ClinVar (database versions not stated): gnomAD exomes below 0.00001; ExAC 0.00001; gnomAD 0.00001.
gnomAD v4.1: 5 of 1,613,106 alleles (0.00031%); highest among the groups gnomAD compares: Non-Finnish European, 0.00042%; no homozygotes.

Submission:

Ambry Genetics
Classification: Uncertain significance for Cardiovascular phenotype. Last evaluated: 2023-10-29. Review status: criteria provided, single submitter. Criteria: Ambry Variant Classification Scheme 2023. Collection method: clinical testing. Allele origin: germline.
Comment: The p.M211T variant (also known as c.632T>C), located in coding exon 6 of the CASQ2 gene, results from a T to C substitution at nucleotide position 632. The methionine at codon 211 is replaced by threonine, an amino acid with similar properties. This amino acid position is conserved. In addition, the in silico prediction for this alteration is inconclusive. Since supporting evidence is limited at this time, the clinical significance of this alteration remains unclear.

NM_001232.4(CASQ2):c.632T>C (p.Met211Thr)

Gene: CASQ2 (calsequestrin 2; minus strand). Cytogenetic location: 1p13.1.
Variant type: single nucleotide variant.
Coding change: c.632T>C on transcript NM_001232.4 (MANE Select); coding-DNA position 632, T replaced by C.
Protein change: p.Met211Thr; replaces methionine 211 with threonine.
Molecular consequence: missense variant.
Genome position (GRCh38, 1-based): chr1:115,727,097, A>G on the plus strand (T>C on the coding strand, the complement: CASQ2 is on the minus strand). VCF-style: chr1-115727097-A-G. GRCh37 (hg19) VCF-style: chr1-116269718-A-G.
Other names: short protein forms M211T.
Identifiers: ClinVar variation 3221463 (VCV003221463.1), dbSNP rs765045923, ClinGen allele CA1023830.
Genomic context (GRCh38, chr1:115,727,097, plus strand): 5'-GGTTTGTTGGGGATGGCAATGGGCTCATCCATAAATGGCTCATAGAAGTCAACCTCATTC[A>G]TCTTCAAAGATAATTTCTTTGCAACCTGTAACCATTAGAAATAAGACAAAGTTTATTTGA-3'
Protein context (NP_001223.2, residues 201-221): KGVAKKLSLK[Met211Thr]NEVDFYEPFM